The following is an entry in ClinVar:

ClinVar aggregate classification (germline): Uncertain significance. Review status: criteria provided, multiple submitters, no conflicts (2 of 4 stars). 2 submissions from 2 submitters: Uncertain significance (2). Last evaluated 2024-05-21.

gnomAD v4.1: 3 of 1,602,608 alleles (0.00019%); highest among the groups gnomAD compares: Non-Finnish European, 0.00025%; no homozygotes.

Submissions (2):

Labcorp Genetics (formerly Invitae), Labcorp
Classification: Uncertain significance. Last evaluated: 2024-05-21. Review status: criteria provided, single submitter. Criteria: Invitae Variant Classification Sherloc (09022015). Collection method: clinical testing. Allele origin: germline.
Comment: This sequence change replaces aspartic acid, which is acidic and polar, with asparagine, which is neutral and polar, at codon 325 of the THBD protein (p.Asp325Asn). This variant is present in population databases (rs750473357, gnomAD 0.002%). This variant has not been reported in the literature in individuals affected with THBD-related conditions. Advanced modeling of protein sequence and biophysical properties (such as structural, functional, and spatial information, amino acid conservation, physicochemical variation, residue mobility, and thermodynamic stability) performed at Invitae indicates that this missense variant is expected to disrupt THBD protein function with a positive predictive value of 80%. In summary, the available evidence is currently insufficient to determine the role of this variant in disease. Therefore, it has been classified as a Variant of Uncertain Significance.

Blueprint Genetics
Classification: Uncertain significance. Last evaluated: 2020-03-11. Review status: criteria provided, single submitter. Criteria: ACMG Guidelines, 2015. Collection method: clinical testing. Allele origin: germline.

NM_000361.3(THBD):c.973G>A (p.Asp325Asn)

Gene: THBD (thrombomodulin; minus strand). Cytogenetic location: 20p11.21.
Variant type: single nucleotide variant.
Coding change: c.973G>A on transcript NM_000361.3 (MANE Select); coding-DNA position 973, G replaced by A.
Protein change: p.Asp325Asn; replaces aspartic acid 325 with asparagine.
Molecular consequence: missense variant.
Genome position (GRCh38, 1-based): chr20:23,048,532, C>T on the plus strand (G>A on the coding strand, the complement: THBD is on the minus strand). VCF-style: chr20-23048532-C-T. GRCh37 (hg19) VCF-style: chr20-23029169-C-T.
Other names: short protein forms D325N.
Identifiers: ClinVar variation 3696379 (VCV003696379.3).